The following is an entry in ClinVar:

ClinVar aggregate classification (germline): Uncertain significance (1 of 4 stars; one submission).

Conditions:
Pyruvate dehydrogenase E1-alpha deficiency (PDHAD). Also called: ATAXIA, INTERMITTENT, WITH PYRUVATE DEHYDROGENASE DEFICIENCY; ATAXIA WITH LACTIC ACIDOSIS I; ATAXIA, INTERMITTENT, WITH ABNORMAL PYRUVATE METABOLISM; Ataxia, intermittent, with pyruvate dehydrogenase, or decarboxylase, deficiency. Identifiers: Orphanet 79243, MedGen C1839413, MONDO:0010717, OMIM 312170.

gnomAD v4.1: 4 of 1,206,414 alleles (0.00033%); highest among the groups gnomAD compares: African/African-American, 0.007%; no homozygotes.

Submission:

Labcorp Genetics (formerly Invitae), Labcorp
Classification: Uncertain significance for Pyruvate dehydrogenase E1-alpha deficiency. Last evaluated: 2025-08-18. Review status: criteria provided, single submitter. Criteria: Invitae Variant Classification Sherloc (09022015). Collection method: clinical testing. Allele origin: germline.
Comment: This sequence change replaces alanine, which is neutral and non-polar, with valine, which is neutral and non-polar, at codon 6 of the PDHA1 protein (p.Ala6Val). This variant is present in population databases (rs764498937, gnomAD 0.02%). This variant has not been reported in the literature in individuals affected with PDHA1-related conditions. Invitae Evidence Modeling of protein sequence and biophysical properties (such as structural, functional, and spatial information, amino acid conservation, physicochemical variation, residue mobility, and thermodynamic stability) has been performed for this missense variant. However, the output from this modeling did not meet the statistical confidence thresholds required to predict the impact of this variant on PDHA1 protein function. In summary, the available evidence is currently insufficient to determine the role of this variant in disease. Therefore, it has been classified as a Variant of Uncertain Significance.

NM_000284.4(PDHA1):c.17C>T (p.Ala6Val)

Gene: PDHA1 (pyruvate dehydrogenase E1 subunit alpha 1; plus strand). Cytogenetic location: Xp22.12.
Variant type: single nucleotide variant.
Coding change: c.17C>T on transcript NM_000284.4 (MANE Select); coding-DNA position 17, C replaced by T.
Protein change: p.Ala6Val; replaces alanine 6 with valine.
Molecular consequence: missense variant.
Genome position (GRCh38, 1-based): chrX:19,344,054, C>T. VCF-style: chrX-19344054-C-T. GRCh37 (hg19) VCF-style: chrX-19362172-C-T.
Other names: c.17C>T, p.Ala6Val (NM_001173454.2, NM_001173455.2, NM_001173456.2); short protein forms A6V.
Identifiers: ClinVar variation 4807311 (VCV004807311.1).
Genomic context (GRCh38, chrX:19,344,054, plus strand): 5'-CCTGGGTTGTGAGGAGTCGCCGCTGCCGCCACTGCCTGTGCTTCATGAGGAAGATGCTCG[C>T]CGCCGTCTCCCGCGTGCTGTCTGGCGCTTCTCAGAAGCCGGTGAGACCTCCCGGGCGGGC-3'
Protein context (NP_000275.1, residues 1-16): MRKML[Ala6Val]AVSRVLSGAS